The following is an entry in ClinVar:

ClinVar aggregate classification (germline): Uncertain significance (1 of 4 stars; one submission).

Conditions:
Zaki syndrome. Also called: MICROCEPHALY, PROGRESSIVE, WITH DEVELOPMENTAL DELAY, CUPPED EARS, AND DYSMORPHIC FEATURES. Identifiers: MedGen C5562037, MONDO:0859209, OMIM 619648.

gnomAD v4.1: 1 of 1,613,988 alleles (0.000062%); highest among the groups gnomAD compares: Non-Finnish European, 0.000085%; no homozygotes.

Submission:

3billion
Classification: Uncertain significance for Zaki syndrome. Last evaluated: 2025-11-17. Review status: criteria provided, single submitter. Criteria: ACMG Guidelines, 2015. Collection method: clinical testing. Allele origin: germline. Affected: yes.
Comment: The variant is observed at an extremely low frequency in the gnomAD v4.1.0 dataset (total allele frequency: <0.001%). Predicted Consequence/Location: Missense variant Damaging effect on gene or gene product predicted by in silico programs is uncertain [REVEL: 0.07 (damaging >=0.6, benign <0.4), 3Cnet: 0.51 (damaging >0.75, benign <0.1)]. Therefore, this variant is classified as VUS according to the recommendation of ACMG/AMP guideline.

NM_024911.7(WLS):c.1529T>C (p.Val510Ala)

Genes: GNG12-AS1 (GNG12, DIRAS3 and WLS antisense RNA 1; plus strand), WLS (Wnt ligand secretion mediator; minus strand). Cytogenetic location: 1p31.3.
Variant type: single nucleotide variant.
Coding change: c.1529T>C on transcript NM_024911.7 (MANE Select); coding-DNA position 1529, T replaced by C.
Protein change: p.Val510Ala; replaces valine 510 with alanine.
Molecular consequence: missense variant. On other transcripts: intron variant (1).
Genome position (GRCh38, 1-based): chr1:68,126,323, A>G on the plus strand (T>C on the coding strand, the complement: WLS is on the minus strand). VCF-style: chr1-68126323-A-G. GRCh37 (hg19) VCF-style: chr1-68592006-A-G.
Other names: c.1256T>C, p.Val419Ala (NM_001193334.1); c.1510+11457T>C (NM_001002292.4); short protein forms V419A, V510A.
Identifiers: ClinVar variation 4853961 (VCV004853961.1).